The following is an entry in ClinVar:

ClinVar aggregate classification (germline): Conflicting classifications of pathogenicity. Review status: criteria provided, conflicting classifications (1 of 4 stars). 5 submissions from 5 submitters: Uncertain significance (1); Benign (1); Likely benign (2). 1 of the submissions does not count toward it. Last evaluated 2026-07-16.

Conditions:
Autosomal recessive congenital ichthyosis 1 (LI1). Also called: ICHTHYOSIS CONGENITA; ICHTHYOSIS CONGENITA II; LAMELLAR EXFOLIATION OF NEWBORN; COLLODION FETUS; DESQUAMATION OF NEWBORN; ICHTHYOSIS, CONGENITAL, AUTOSOMAL RECESSIVE 1, WITH BATHING SUIT DISTRIBUTION. Identifiers: MedGen C4551630, MONDO:0009441, OMIM 242300.
TGM1-related disorder. Also called: TGM1-related condition.

Allele frequency attached by ClinVar (database versions not stated): gnomAD exomes 0.00006 and 0.00025; TOPMed 0.00010; gnomAD 0.00012 and 0.00013; 1000 Genomes Project 30x 0.00016; 1000 Genomes Project 0.00020; ExAC 0.00021.
gnomAD v4.1: 108 of 1,613,070 alleles (0.0067%); highest among the groups gnomAD compares: East Asian, 0.18%; no homozygotes.

Submissions (5):

PreventionGenetics, part of Exact Sciences
Classification: Likely benign for TGM1-related condition. Last evaluated: 2026-07-16. Review status: criteria provided, single submitter. Criteria: ACMG Guidelines, 2015. Collection method: clinical testing. Allele origin: germline.
Comment: This variant is classified as likely benign based on ACMG/AMP sequence variant interpretation guidelines (Richards et al. 2015 PMID: 25741868, with internal and published modifications).

Labcorp Genetics (formerly Invitae), Labcorp
Classification: Benign. Last evaluated: 2026-01-14. Review status: criteria provided, single submitter. Criteria: Invitae Variant Classification Sherloc (09022015). Collection method: clinical testing. Allele origin: germline.

Blueprint Genetics
Classification: Likely benign. Last evaluated: 2024-10-30. Review status: criteria provided, single submitter. Criteria: ACMG Guidelines, 2015. Collection method: clinical testing. Allele origin: germline.

Illumina Laboratory Services, Illumina
Classification: Uncertain significance for Autosomal recessive congenital ichthyosis 1. Last evaluated: 2017-04-27. Review status: criteria provided, single submitter. Criteria: ICSL Variant Classification Criteria 13 December 2019. Collection method: clinical testing. Allele origin: germline.

Natera, Inc.
Classification: Likely benign for Autosomal recessive congenital ichthyosis type 1. Last evaluated: 2020-04-17. Review status: no assertion criteria provided. Collection method: clinical testing. Allele origin: germline. Not counted in ClinVar's aggregate classification.

NM_000359.3(TGM1):c.885C>T (p.His295=)

Gene: TGM1 (transglutaminase 1; minus strand). Cytogenetic location: 14q12.
Variant type: single nucleotide variant.
Coding change: c.885C>T on transcript NM_000359.3 (MANE Select); coding-DNA position 885, C replaced by T.
Protein change: p.His295=; no amino-acid change (histidine 295 retained).
Molecular consequence: synonymous variant.
Genome position (GRCh38, 1-based): chr14:24,259,803, G>A on the plus strand (C>T on the coding strand, the complement: TGM1 is on the minus strand). VCF-style: chr14-24259803-G-A. GRCh37 (hg19) VCF-style: chr14-24729009-G-A.
Identifiers: ClinVar variation 763324 (VCV000763324.18), dbSNP rs186352813, ClinGen allele CA7131244.